The following is an entry in ClinVar:

NM_000059.4(BRCA2):c.8488-20del

Gene: BRCA2 (BRCA2 DNA repair associated; plus strand). Cytogenetic location: 13q13.1.
Variant type: Deletion.
Coding change: c.8488-20del on transcript NM_000059.4 (MANE Select); 20 bases into the intron before coding-DNA position 8488, one base deleted (T; older notation c.8488-20delT).
Molecular consequence: intron variant.
Genome position (GRCh38, 1-based): chr13:32,370,936, T deleted. VCF-style (leftmost placement, unchanged base first): chr13-32370935-GT-G. GRCh37 (hg19) VCF-style: chr13-32945072-GT-G.
Other names: c.8488-20delT (NM_000059.3, NM_000059.4).
Identifiers: ClinVar variation 631204 (VCV000631204.16), dbSNP rs1566249132, ClinGen allele CA913188609.

ClinVar aggregate classification (germline): Conflicting classifications of pathogenicity. Review status: criteria provided, conflicting classifications (1 of 4 stars). 4 submissions from 4 submitters: Uncertain significance (1); Likely benign (3). Last evaluated 2026-01-27.

Conditions:
Hereditary cancer-predisposing syndrome. Also called: Hereditary neoplastic syndrome; Tumor predisposition; Hereditary Cancer Syndrome; Neoplastic Syndromes, Hereditary. Identifiers: Orphanet 140162, MedGen C0027672, MeSH D009386, MONDO:0015356.
Hereditary breast ovarian cancer syndrome. Also called: Hereditary breast and ovarian cancer syndrome; BRCA1- and BRCA2-Associated Hereditary Breast and Ovarian Cancer; Hereditary breast and ovarian cancer syndrome (HBOC); Hereditary breast and ovarian cancer; Breast and ovarian cancer; Hereditary breast and/or ovarian cancer syndrome. Identifiers: Orphanet 145, MedGen C0677776, MeSH D061325, MONDO:0003582. Disease mechanism: loss of function.
Breast-ovarian cancer, familial, susceptibility to, 2 (BROVCA2). Also called: BRCA2 Hereditary Breast and Ovarian Cancer. Identifiers: Orphanet 145, MedGen C2675520, MONDO:0012933, OMIM 612555. Disease mechanism: loss of function.

Allele frequency attached by ClinVar (database versions not stated): gnomAD 0.00001; TOPMed below 0.00001; gnomAD exomes 0.00001.

Submissions (4):

Myriad Genetics, Inc.
Classification: Likely benign for Breast-ovarian cancer, familial, susceptibility to, 2. Last evaluated: 2026-01-27. Review status: criteria provided, single submitter. Criteria: Myriad Autosomal Dominant, Autosomal Recessive and X-Linked Classification Criteria (2023). Collection method: clinical testing. Allele origin: unknown.
Comment: This variant is considered likely benign. This variant is intronic and is not expected to impact mRNA splicing. This variant is strongly associated with less severe personal and family histories of cancer, typical for individuals without pathogenic variants in this gene [PMID: 25085752].

Labcorp Genetics (formerly Invitae), Labcorp
Classification: Likely benign for Hereditary breast ovarian cancer syndrome. Last evaluated: 2025-04-17. Review status: criteria provided, single submitter. Criteria: Invitae Variant Classification Sherloc (09022015). Collection method: clinical testing. Allele origin: germline.

Women's Health and Genetics/Laboratory Corporation of America, LabCorp
Classification: Likely benign. Last evaluated: 2024-12-19. Review status: criteria provided, single submitter. Criteria: LabCorp Variant Classification Summary - May 2015. Collection method: clinical testing. Allele origin: germline.
Comment: Variant summary: BRCA2 c.8488-20delT alters a non-conserved nucleotide located at a position not widely known to affect splicing. Consensus agreement among computation tools predict no significant impact on normal splicing. However, these predictions have yet to be confirmed by functional studies. The variant was absent in 251120 control chromosomes (gnomAD). The available data on variant occurrences in the general population are insufficient to allow any conclusion about variant significance. To our knowledge, no occurrence of c.8488-20delT in individuals affected with Hereditary Breast And Ovarian Cancer Syndrome and no experimental evidence demonstrating its impact on protein function have been reported. ClinVar contains an entry for this variant (Variation ID: 631204). Based on the evidence outlined above, the variant was classified as likely benign.

Color Diagnostics, LLC DBA Color Health
Classification: Uncertain significance for Hereditary cancer-predisposing syndrome. Last evaluated: 2019-04-18. Review status: criteria provided, single submitter. Criteria: ACMG Guidelines, 2015. Collection method: clinical testing. Allele origin: germline.

Literature cited by the submitters: PubMed 25085752 (cited by Myriad Genetics, Inc.).